The following is an entry in ClinVar:

NM_007294.4(BRCA1):c.746C>A (p.Thr249Asn)

Gene: BRCA1 (BRCA1 DNA repair associated; minus strand). Cytogenetic location: 17q21.31.
Variant type: single nucleotide variant.
Coding change: c.746C>A on transcript NM_007294.4 (MANE Select); coding-DNA position 746, C replaced by A.
Protein change: p.Thr249Asn; replaces threonine 249 with asparagine.
Molecular consequence: missense variant. On other transcripts: non-coding transcript variant (1).
Genome position (GRCh38, 1-based): chr17:43,094,785, G>T on the plus strand (C>A on the coding strand, the complement: BRCA1 is on the minus strand). VCF-style: chr17-43094785-G-T. GRCh37 (hg19) VCF-style: chr17-41246802-G-T.
Other names: c.746C>A, p.Thr249Asn (NM_001407684.1, NM_001407581.1, NM_001407582.1 and 54 more transcripts); c.536C>A, p.Thr179Asn (NM_001407881.1, NM_001407882.1, NM_001407887.1 and 25 more transcripts); c.620C>A, p.Thr207Asn (NM_001407685.1, NM_001407686.1, NM_001407687.1 and 20 more transcripts); c.533C>A, p.Thr178Asn (NM_001407898.1, NM_001407894.1, NM_001407895.1 and 12 more transcripts); c.743C>A, p.Thr248Asn (NM_001407587.1, NM_001407590.1, NM_001407591.1 and 38 more transcripts); c.605C>A, p.Thr202Asn (NM_001407692.1, NM_001407694.1, NM_001407695.1 and 43 more transcripts); c.602C>A, p.Thr201Asn (NM_001407740.1, NM_001407741.1, NM_001407742.1 and 26 more transcripts); c.737C>A, p.Thr246Asn (NM_001407646.1, NM_001407647.1, NM_001408408.1); and 14 more; short protein forms T249N, T202N, T160N, T178N, T204N, T248N, T122N, T138N.
Identifiers: ClinVar variation 920439 (VCV000920439.5), dbSNP rs2054054165, ClinGen allele CA10600593.

ClinVar aggregate classification (germline): Conflicting classifications of pathogenicity. Review status: criteria provided, conflicting classifications (1 of 4 stars). 2 submissions from 2 submitters: Uncertain significance (1); Likely benign (1). Last evaluated 2023-03-23.

Conditions:
Hereditary cancer-predisposing syndrome. Also called: Neoplastic Syndromes, Hereditary; Tumor predisposition; Hereditary Cancer Syndrome; Hereditary neoplastic syndrome. Identifiers: Orphanet 140162, MedGen C0027672, MeSH D009386, MONDO:0015356.

Submissions (2):

University of Washington Department of Laboratory Medicine, University of Washington
Classification: Likely benign for Hereditary cancer-predisposing syndrome. Last evaluated: 2023-03-23. Review status: criteria provided, single submitter. Criteria: Dines et al. (Genet Med. 2020). Collection method: curation. Allele origin: germline.
Comment: Missense variant in a coldspot region where missense variants are very unlikely to be pathogenic (PMID:31911673).

BRCA1 coldspot (exon 11 using historical exon numbering). Reclassification based on statistical prior probability

Color Diagnostics, LLC DBA Color Health
Classification: Uncertain significance for Hereditary cancer-predisposing syndrome. Last evaluated: 2019-05-08. Review status: criteria provided, single submitter. Criteria: ACMG Guidelines, 2015. Collection method: clinical testing. Allele origin: germline.